The following is an entry in ClinVar:

NC_000001.10:g.(?_861322)_(874860_?)dup

Gene: SAMD11 (sterile alpha motif domain containing 11; plus strand). Cytogenetic location: 1p36.33.
Variant type: Duplication.
Identifiers: ClinVar variation 1451080 (VCV001451080.5).

ClinVar aggregate classification (germline): Uncertain significance (1 of 4 stars; one submission).

Submission:

Labcorp Genetics (formerly Invitae), Labcorp
Classification: Uncertain significance. Last evaluated: 2023-07-21. Review status: criteria provided, single submitter. Criteria: Invitae Variant Classification Sherloc (09022015). Collection method: clinical testing. Allele origin: germline.
Comment: In summary, the available evidence is currently insufficient to determine the role of this variant in disease. Therefore, it has been classified as a Variant of Uncertain Significance. Experimental studies and prediction algorithms are not available or were not evaluated, and the functional significance of this variant is currently unknown. This variant has not been reported in the literature in individuals affected with SAMD11-related conditions. This variant results in a copy number gain of the genomic region encompassing exon(s) 2-7 of the SAMD11 gene. This region includes the initiator codon of the gene. This copy number gain extends beyond the assayed region for this gene and therefore may encompass additional genes. As the precise location of this event is unknown, it may be in tandem or it may be located elsewhere in the genome.